The following is an entry in ClinVar:

ClinVar aggregate classification (germline): Pathogenic/Likely pathogenic. Review status: criteria provided, multiple submitters, no conflicts (2 of 4 stars). 4 submissions from 4 submitters: Pathogenic (3); Likely pathogenic (1). Last evaluated 2025-01-28.

Conditions:
Cholestasis, progressive familial intrahepatic, 7, with or without hearing loss. Identifiers: MedGen C5562043, MONDO:0030503, OMIM 619658.

Allele frequency attached by ClinVar (database versions not stated): gnomAD exomes 0.00001; TOPMed 0.00002; gnomAD 0.00001.
gnomAD v4.1: 22 of 1,613,476 alleles (0.0014%); highest among the groups gnomAD compares: Non-Finnish European, 0.0017%; no homozygotes.

Submissions (4):

Dasa
Classification: Pathogenic. Last evaluated: 2025-01-28. Review status: criteria provided, single submitter. Criteria: DASA Assertion Criteria. Collection method: clinical testing. Allele origin: germline.
Comment: NM_001371395.1(USP53):c.1744C>T (p.Arg582*) introduces a premature stop codon predicted to trigger nonsense-mediated decay. Loss-of-function is an established mechanism of disease for this gene. This variant has been reported in individuals with progressive familial intrahepatic cholestasis type 7 when present in compound heterozygosity (PMID: 32759993). Additionally, it is present at low frequency in population datasets. Based on the available data, this variant is classified as pathogenic.

GeneDx
Classification: Pathogenic. Last evaluated: 2024-12-03. Review status: criteria provided, single submitter. Criteria: GeneDx Variant Classification Process June 2021. Collection method: clinical testing. Allele origin: germline. Affected: yes.
Comment: Nonsense variant predicted to result in protein truncation or nonsense mediated decay in a gene for which loss of function is a known mechanism of disease; Not observed at significant frequency in large population cohorts (gnomAD); This variant is associated with the following publications: (PMID: 32759993)

Genomic Medicine Center of Excellence, King Faisal Specialist Hospital and Research Centre
Classification: Likely pathogenic for Cholestasis, progressive familial intrahepatic, 7, with or without hearing loss. Last evaluated: 2024-03-17. Review status: criteria provided, single submitter. Criteria: ACMG Guidelines, 2015. Collection method: research. Allele origin: germline.

Medical Genetics, Taibah University College of Applied Medical Sciences
Classification: Pathogenic. Review status: criteria provided, single submitter. Criteria: ACMG Guidelines, 2015. Collection method: clinical testing. Allele origin: germline. Inheritance: Autosomal recessive inheritance. Affected: yes. Observed: 1 homozygote.

Literature cited by the submitters: PubMed 32759993 (cited by Dasa and Medical Genetics, Taibah University College of Applied Medical Sciences).

NM_001371395.1(USP53):c.1744C>T (p.Arg582Ter)

Gene: USP53 (ubiquitin specific peptidase 53; plus strand). Cytogenetic location: 4q26.
Variant type: single nucleotide variant.
Coding change: c.1744C>T on transcript NM_001371395.1 (MANE Select); coding-DNA position 1744, C replaced by T.
Protein change: p.Arg582Ter; replaces arginine 582 with a stop codon.
Molecular consequence: nonsense.
Genome position (GRCh38, 1-based): chr4:119,271,604, C>T. VCF-style: chr4-119271604-C-T. GRCh37 (hg19) VCF-style: chr4-120192759-C-T.
Other names: c.1744C>T (NM_019050.2); c.1591C>T, p.Arg531Ter (NM_001371396.1, NM_001389661.1); c.1744C>T, p.Arg582Ter (NM_001371397.1, NM_001371398.1, NM_001371399.1 and 3 more transcripts); c.1594C>T, p.Arg532Ter (NM_001389660.1); c.1396C>T, p.Arg466Ter (NM_001389662.1, NM_001389663.1, NM_001389664.1 and 1 more transcripts); c.1243C>T, p.Arg415Ter (NM_001389665.1, NM_001389667.1); short protein forms R415*, R466*, R531*, R532*, R582*.
Identifiers: ClinVar variation 2572008 (VCV002572008.5), dbSNP rs1265790137, ClinGen allele CA358036719.